The following is an entry in ClinVar:

NM_001166114.2(PNPLA6):c.1022G>C (p.Arg341Pro)

Gene: PNPLA6 (patatin like domain 6, lysophospholipase; plus strand). Cytogenetic location: 19p13.2.
Variant type: single nucleotide variant.
Coding change: c.1022G>C on transcript NM_001166114.2 (MANE Select); coding-DNA position 1022, G replaced by C.
Protein change: p.Arg341Pro; replaces arginine 341 with proline.
Molecular consequence: missense variant.
Genome position (GRCh38, 1-based): chr19:7,541,538, G>C. VCF-style: chr19-7541538-G-C. GRCh37 (hg19) VCF-style: chr19-7606424-G-C.
Other names: c.1049G>C, p.Arg350Pro (NM_001166111.2); c.905G>C, p.Arg302Pro (NM_001166112.2, NM_001166113.1, NM_006702.5); short protein forms R302P, R350P, R341P.
Identifiers: ClinVar variation 1498767 (VCV001498767.4), dbSNP rs745677326, ClinGen allele CA9139658.

ClinVar aggregate classification (germline): Uncertain significance. Review status: criteria provided, multiple submitters, no conflicts (2 of 4 stars). 2 submissions from 2 submitters: Uncertain significance (2). Last evaluated 2024-09-02.

Conditions:
Hereditary spastic paraplegia 39 (SPG39). Also called: SPASTIC PARAPLEGIA 39, AUTOSOMAL RECESSIVE; Spastic Paraplegia Type 39 (SPG39). Identifiers: Orphanet 139480, MedGen C2677586, MONDO:0012787, OMIM 612020.

gnomAD v4.1: 16 of 1,606,844 alleles (0.001%); highest among the groups gnomAD compares: Middle Eastern, 0.017%; no homozygotes.

Submissions (2):

Blueprint Genetics
Classification: Uncertain significance. Last evaluated: 2024-09-02. Review status: criteria provided, single submitter. Criteria: ACMG Guidelines, 2015. Collection method: clinical testing. Allele origin: germline.

Labcorp Genetics (formerly Invitae), Labcorp
Classification: Uncertain significance for Hereditary spastic paraplegia 39. Last evaluated: 2022-02-11. Review status: criteria provided, single submitter. Criteria: Invitae Variant Classification Sherloc (09022015). Collection method: clinical testing. Allele origin: germline.
Comment: This sequence change replaces arginine, which is basic and polar, with proline, which is neutral and non-polar, at codon 302 of the PNPLA6 protein (p.Arg302Pro). This variant is present in population databases (rs745677326, gnomAD 0.003%). This variant has not been reported in the literature in individuals affected with PNPLA6-related conditions. Algorithms developed to predict the effect of missense changes on protein structure and function are either unavailable or do not agree on the potential impact of this missense change (SIFT: "Deleterious"; PolyPhen-2: "Possibly Damaging"; Align-GVGD: "Class C0"). In summary, the available evidence is currently insufficient to determine the role of this variant in disease. Therefore, it has been classified as a Variant of Uncertain Significance.